The following is an entry in ClinVar:

ClinVar aggregate classification (germline): Uncertain significance. Review status: criteria provided, multiple submitters, no conflicts (2 of 4 stars). 2 submissions from 2 submitters: Uncertain significance (2). Last evaluated 2024-09-15.

Conditions:
Intellectual developmental disorder, autosomal dominant 6, with or without seizures. Also called: GRIN2B-related developmental delay, intellectual disability and autism spectrum disorder; Intellectual disability, autosomal dominant 6. Identifiers: Orphanet 589547, MedGen C3151411, MONDO:0013509, OMIM 613970.
Developmental and epileptic encephalopathy, 27 (DEE27). Also called: Epileptic encephalopathy, early infantile, 27; GRIN2B-Related Neurodevelopmental Disorder. Identifiers: Orphanet 3451, MedGen C4015316, MONDO:0014505, OMIM 616139.

Submissions (2):

Labcorp Genetics (formerly Invitae), Labcorp
Classification: Uncertain significance for Developmental and epileptic encephalopathy, 27; Intellectual developmental disorder, autosomal dominant 6, with or without seizures. Last evaluated: 2024-09-15. Review status: criteria provided, single submitter. Criteria: Invitae Variant Classification Sherloc (09022015). Collection method: clinical testing. Allele origin: germline.
Comment: This sequence change replaces serine, which is neutral and polar, with threonine, which is neutral and polar, at codon 281 of the GRIN2B protein (p.Ser281Thr). This variant is not present in population databases (gnomAD no frequency). This missense change has been observed in individual(s) with clinical features of GRIN2B-related conditions (PMID: 33057194, 35982159). ClinVar contains an entry for this variant (Variation ID: 426490). Invitae Evidence Modeling of protein sequence and biophysical properties (such as structural, functional, and spatial information, amino acid conservation, physicochemical variation, residue mobility, and thermodynamic stability) indicates that this missense variant is not expected to disrupt GRIN2B protein function with a negative predictive value of 95%. In summary, the available evidence is currently insufficient to determine the role of this variant in disease. Therefore, it has been classified as a Variant of Uncertain Significance.

GeneDx
Classification: Uncertain significance. Last evaluated: 2017-04-13. Review status: criteria provided, single submitter. Criteria: GeneDx Variant Classification (06012015). Collection method: clinical testing. Allele origin: germline. Affected: yes.
Comment: The S281T variant in the GRIN2B gene has not been reported previously as a pathogenic variant, nor as a benign variant, to our knowledge. The S281T variant is not observed in large population cohorts (Lek et al., 2016; 1000 Genomes Consortium et al., 2015; Exome Variant Server). The S281T variant is a conservative amino acid substitution, which is not likely to impact secondary protein structure as these residues share similar properties. This substitution occurs at a position that is conserved across species. In silico analysis is inconsistent in its predictions as to whether or not the variant is damaging to the protein structure/function. We interpret S281T as a variant of uncertain significance.

Literature cited by the submitters: PubMed 33057194 (cited by Labcorp Genetics (formerly Invitae), Labcorp); PubMed 35982159 (cited by Labcorp Genetics (formerly Invitae), Labcorp).

NM_000834.5(GRIN2B):c.841T>A (p.Ser281Thr)

Gene: GRIN2B (glutamate ionotropic receptor NMDA type subunit 2B; minus strand). Cytogenetic location: 12p13.1.
Variant type: single nucleotide variant.
Coding change: c.841T>A on transcript NM_000834.5 (MANE Select); coding-DNA position 841, T replaced by A.
Protein change: p.Ser281Thr; replaces serine 281 with threonine.
Molecular consequence: missense variant.
Genome position (GRCh38, 1-based): chr12:13,753,486, A>T on the plus strand (T>A on the coding strand, the complement: GRIN2B is on the minus strand). VCF-style: chr12-13753486-A-T. GRCh37 (hg19) VCF-style: chr12-13906420-A-T.
Other names: short protein forms S281T.
Identifiers: ClinVar variation 426490 (VCV000426490.4), dbSNP rs1085307651, ClinGen allele CA384053329.
Genomic context (GRCh38, chr12:13,753,486, plus strand): 5'-TGATTATGGCAATTCCATCTCTCACTCTGGCGGGGAGGCCATAGTCCCATTCATCATATG[A>T]TACAGAGATGAGCCCAGTGGGGAACTCCGCAGGCACTGTGTCTGTATCCCCTGCCACCAG-3'
Protein context (NP_000825.2, residues 271-291): AEFPTGLISV[Ser281Thr]YDEWDYGLPA